The following is an entry in ClinVar:

NM_001347886.2(DNAH3):c.4813-4A>G

Gene: DNAH3 (dynein axonemal heavy chain 3; minus strand). Cytogenetic location: 16p12.3.
Variant type: single nucleotide variant.
Coding change: c.4813-4A>G on transcript NM_001347886.2 (MANE Select); 4 bases into the intron before coding-DNA position 4813, A replaced by G.
Molecular consequence: intron variant.
Genome position (GRCh38, 1-based): chr16:21,036,852, T>C on the plus strand (A>G on the coding strand, the complement: DNAH3 is on the minus strand). VCF-style: chr16-21036852-T-C. GRCh37 (hg19) VCF-style: chr16-21048174-T-C.
Other names: c.4951-4A>G (NM_017539.2).
Identifiers: ClinVar variation 4527060 (VCV004527060.1).
Genomic context (GRCh38, chr16:21,036,852, plus strand): 5'-AACTTCATAGTCTGGCTTTGGAAGAACAACTCCAGGAAATAAATCAGATATAATTCCCTG[T>C]TAAAAAGAATTTAAAAGAAAGTGGAAAGGATAAAGTATCAGATATATGACCTCAACATTT-3'

ClinVar aggregate classification (germline): Uncertain significance (1 of 4 stars; one submission).

gnomAD v4.1: 17 of 1,603,702 alleles (0.0011%); highest among the groups gnomAD compares: Non-Finnish European, 0.0014%; no homozygotes.

Submission:

GeneDx
Classification: Uncertain significance. Last evaluated: 2025-04-30. Review status: criteria provided, single submitter. Criteria: GeneDx Variant Classification Process June 2021. Collection method: clinical testing. Allele origin: germline. Affected: yes.
Comment: Not observed at significant frequency in large population cohorts (gnomAD); In silico analysis supports a deleterious effect on splicing; Has not been previously published as pathogenic or benign to our knowledge